The following is an entry in ClinVar:

ClinVar aggregate classification (germline): Benign/Likely benign. Review status: criteria provided, multiple submitters, no conflicts (2 of 4 stars). 5 submissions from 5 submitters: Benign (1); Likely benign (3). 1 of the submissions does not count toward it. Last evaluated 2026-01-19.

Conditions:
HSD17B3-related disorder. Also called: HSD17B3-related condition.
Testosterone 17-beta-dehydrogenase deficiency. Also called: 17 alpha ketosteroid reductase deficiency of testis; 17 alpha KSR deficiency; Neutral 17 beta hydroxysteroid oxidoreductase deficiency; Male pseudoherma-phroditism with gynecomastia; 17-beta hydroxysteroid dehydrogenase 3 deficiency; 46,XY disorder of sex development due to 17-beta-hydroxysteroid dehydrogenase 3 deficiency. Identifiers: Orphanet 752, MedGen C0268296, MONDO:0009916, OMIM 264300. Disease mechanism: loss of function.

Allele frequency attached by ClinVar (database versions not stated): ESP Exome Variant Server 0.00015; gnomAD 0.00054 and 0.00062; TOPMed 0.00081; ExAC 0.00105; 1000 Genomes Project 30x 0.00125; 1000 Genomes Project 0.00160.
gnomAD v4.1: 823 of 1,613,532 alleles (0.051%); highest among the groups gnomAD compares: East Asian, 1.4%; 12 homozygotes.

Submissions (5):

Labcorp Genetics (formerly Invitae), Labcorp
Classification: Benign. Last evaluated: 2026-01-19. Review status: criteria provided, single submitter. Criteria: Invitae Variant Classification Sherloc (09022015). Collection method: clinical testing. Allele origin: germline.

Blueprint Genetics
Classification: Likely benign. Last evaluated: 2024-10-28. Review status: criteria provided, single submitter. Criteria: ACMG Guidelines, 2015. Collection method: clinical testing. Allele origin: germline.

GeneDx
Classification: Likely benign. Last evaluated: 2021-01-12. Review status: criteria provided, single submitter. Criteria: GeneDx Variant Classification Process June 2021. Collection method: clinical testing. Allele origin: germline. Affected: yes.

Illumina Laboratory Services, Illumina
Classification: Likely benign for Testosterone 17-beta-dehydrogenase deficiency. Last evaluated: 2018-01-13. Review status: criteria provided, single submitter. Criteria: ICSL Variant Classification Criteria 13 December 2019. Collection method: clinical testing. Allele origin: germline.
Comment: This variant was observed in the ICSL laboratory as part of a predisposition screen in an ostensibly healthy population. It had not been previously curated by ICSL or reported in the Human Gene Mutation Database (HGMD: prior to June 1st, 2018), and was therefore a candidate for classification through an automated scoring system. Utilizing variant allele frequency, disease prevalence and penetrance estimates, and inheritance mode, an automated score was calculated to assess if this variant is too frequent to cause the disease. Based on the score and internal cut-off values, a variant classified as likely benign is not then subjected to further curation. The score for this variant resulted in a classification of likely benign for this disease.

PreventionGenetics, part of Exact Sciences
Classification: Likely benign for HSD17B3-related condition. Last evaluated: 2020-01-09. Review status: no assertion criteria provided. Collection method: clinical testing. Allele origin: germline. Not counted in ClinVar's aggregate classification.
Comment: This variant is classified as likely benign based on ACMG/AMP sequence variant interpretation guidelines (Richards et al. 2015 PMID: 25741868, with internal and published modifications).

NM_000197.2(HSD17B3):c.333C>T (p.Asp111=)

Genes: HSD17B3 (hydroxysteroid 17-beta dehydrogenase 3; minus strand), SLC35D2-HSD17B3 (SLC35D2-HSD17B3 readthrough; minus strand). Cytogenetic location: 9q22.32.
Variant type: single nucleotide variant.
Coding change: c.333C>T on transcript NM_000197.2 (MANE Select); coding-DNA position 333, C replaced by T.
Protein change: p.Asp111=; no amino-acid change (aspartic acid 111 retained).
Molecular consequence: synonymous variant.
Genome position (GRCh38, 1-based): chr9:96,252,855, G>A on the plus strand (C>T on the coding strand, the complement: HSD17B3 is on the minus strand). VCF-style: chr9-96252855-G-A. GRCh37 (hg19) VCF-style: chr9-99015137-G-A.
Identifiers: ClinVar variation 367681 (VCV000367681.18), dbSNP rs35189151, ClinGen allele CA5140449.
Genomic context (GRCh38, chr9:96,252,855, plus strand): 5'-TTACTCACCTAAAATTCCAATTTCTAAGCCTGCAAGTTTTTCTTTAATATGCTCGTAGAT[G>A]TCATCTTTTGTAAAATCTGCTTGTATAATCTTCACACTCCTCCCTGTAGTCCGCTCTACA-3'
Protein context (NP_000188.1, residues 101-121): KIIQADFTKD[Asp111=]IYEHIKEKLA